The following is an entry in ClinVar:

ClinVar aggregate classification (germline): Likely benign (1 of 4 stars; one submission).

Submission:

CeGaT Center for Human Genetics Tuebingen
Classification: Likely benign. Last evaluated: 2022-11-01. Review status: criteria provided, single submitter. Criteria: CeGaT Center For Human Genetics Tuebingen Variant Classification Criteria Version 2. Collection method: clinical testing. Allele origin: germline. Affected: yes. Observed: 1 variant allele.
Comment: TMEM185B: BP4, BP7

NM_024121.3(TMEM185B):c.1020C>G (p.Pro340=)

Gene: TMEM185B (transmembrane protein 185B; minus strand). Cytogenetic location: 2q14.2.
Variant type: single nucleotide variant.
Coding change: c.1020C>G on transcript NM_024121.3 (MANE Select); coding-DNA position 1020, C replaced by G.
Protein change: p.Pro340=; no amino-acid change (proline 340 retained).
Molecular consequence: synonymous variant.
Genome position (GRCh38, 1-based): chr2:120,221,957, G>C on the plus strand (C>G on the coding strand, the complement: TMEM185B is on the minus strand). VCF-style: chr2-120221957-G-C. GRCh37 (hg19) VCF-style: chr2-120979533-G-C.
Identifiers: ClinVar variation 2651313 (VCV002651313.24), dbSNP rs188174061, ClinGen allele CA428250802.
Genomic context (GRCh38, chr2:120,221,957, plus strand): 5'-GTGTGTGCCTGGGTCCTCTCTAGGAGTTTAATCTGGCATATCAATATTTAACTTGGGAGG[G>C]GGGGGAACGTATTTCCCAGGGCTCTGGGTTATAACTACTCTGGCCTTCTTTCCAAATATT-3'
Protein context (NP_077026.2, residues 330-350): ITQSPGKYVP[Pro340=]PPKLNIDMPD